The following is an entry in ClinVar:

NM_001018005.2(TPM1):c.332A>C (p.Gln111Pro)

Gene: TPM1 (tropomyosin 1; plus strand). Cytogenetic location: 15q22.2.
Variant type: single nucleotide variant.
Coding change: c.332A>C on transcript NM_001018005.2 (MANE Select); coding-DNA position 332, A replaced by C.
Protein change: p.Gln111Pro; replaces glutamine 111 with proline.
Molecular consequence: missense variant. On other transcripts: non-coding transcript variant (17).
Genome position (GRCh38, 1-based): chr15:63,057,076, A>C. VCF-style: chr15-63057076-A-C. GRCh37 (hg19) VCF-style: chr15-63349275-A-C.
Other names: c.332A>C, p.Gln111Pro (NM_000366.6, NM_001018004.2, NM_001018006.2 and 20 more transcripts); c.224A>C, p.Gln75Pro (NM_001018008.2, NM_001301289.2, NM_001330344.2 and 9 more transcripts); c.458A>C, p.Gln153Pro (NM_001365778.1, NM_001407322.1, NM_001407323.1 and 1 more transcripts); short protein forms Q111P, Q153P, Q75P.
Identifiers: ClinVar variation 3373677 (VCV003373677.1).

ClinVar aggregate classification (germline): Uncertain significance (1 of 4 stars; one submission).

Submission:

GeneDx
Classification: Uncertain significance. Last evaluated: 2024-03-07. Review status: criteria provided, single submitter. Criteria: GeneDx Variant Classification Process June 2021. Collection method: clinical testing. Allele origin: germline. Affected: yes.
Comment: Not observed at significant frequency in large population cohorts (gnomAD); In silico analysis supports that this missense variant has a deleterious effect on protein structure/function; Has not been previously published as pathogenic or benign to our knowledge